The following is an entry in ClinVar:

ClinVar aggregate classification (germline): Likely benign (0 of 4 stars; one submission).

Conditions:
NTRK2-related disorder. Also called: NTRK2-related condition.

Allele frequency attached by ClinVar (database versions not stated): TOPMed below 0.00001; gnomAD exomes 0.00001.
gnomAD v4.1: 7 of 1,611,636 alleles (0.00043%); highest among the groups gnomAD compares: Non-Finnish European, 0.00059%; no homozygotes.

Submission:

PreventionGenetics, part of Exact Sciences
Classification: Likely benign for NTRK2-related condition. Last evaluated: 2022-03-24. Review status: no assertion criteria provided. Collection method: clinical testing. Allele origin: germline.
Comment: This variant is classified as likely benign based on ACMG/AMP sequence variant interpretation guidelines (Richards et al. 2015 PMID: 25741868, with internal and published modifications).

NM_006180.6(NTRK2):c.-10G>C

Gene: NTRK2 (neurotrophic receptor tyrosine kinase 2; plus strand). Cytogenetic location: 9q21.33.
Variant type: single nucleotide variant.
Coding change: c.-10G>C on transcript NM_006180.6 (MANE Select); 10 bases upstream of the start codon, G replaced by C.
Molecular consequence: 5 prime UTR variant.
Genome position (GRCh38, 1-based): chr9:84,670,739, G>C. VCF-style: chr9-84670739-G-C. GRCh37 (hg19) VCF-style: chr9-87285654-G-C.
Other names: c.-10G>C (NM_001007097.3, NM_001018064.3, NM_001018065.2 and 19 more transcripts).
Identifiers: ClinVar variation 3047273 (VCV003047273.2), dbSNP rs1211748919, ClinGen allele CA589125075.
Genomic context (GRCh38, chr9:84,670,739, plus strand): 5'-CCGCACGGGTGGGGGAAAGCGGCCGGTGCAGCGCGGGGACAGGCACTCGGGCTGGCACTG[G>C]CTGCTAGGGATGTCGTCCTGGATAAGGTGGCATGGACCCGCCATGGCGCGGCTCTGGGGC-3'